The following is an entry in ClinVar:

ClinVar aggregate classification (germline): Uncertain significance (1 of 4 stars; one submission).

Conditions:
Idiopathic generalized epilepsy. Also called: Generalised epilepsy; EIG. Identifiers: MedGen C0270850, MONDO:0005579, OMIM 600669.
Hyperaldosteronism, familial, type IV (HALD4). Also called: FH IV; ALDOSTERONISM, PRIMARY, AND HYPERTENSION. Identifiers: Orphanet 642671, MedGen C4310756, MONDO:0014875, OMIM 617027.

Submission:

Labcorp Genetics (formerly Invitae), Labcorp
Classification: Uncertain significance for Idiopathic generalized epilepsy; Hyperaldosteronism, familial, type IV. Last evaluated: 2021-08-16. Review status: criteria provided, single submitter. Criteria: Invitae Variant Classification Sherloc (09022015). Collection method: clinical testing. Allele origin: germline.
Comment: This sequence change replaces glycine with cysteine at codon 1149 of the CACNA1H protein (p.Gly1149Cys). The glycine residue is highly conserved and there is a large physicochemical difference between glycine and cysteine. The frequency data for this variant in the population databases is considered unreliable, as metrics indicate insufficient coverage at this position in the ExAC database. This variant has not been reported in the literature in individuals affected with CACNA1H-related conditions. Advanced modeling of protein sequence and biophysical properties (such as structural, functional, and spatial information, amino acid conservation, physicochemical variation, residue mobility, and thermodynamic stability) performed at Invitae indicates that this missense variant is not expected to disrupt CACNA1H protein function. In summary, the available evidence is currently insufficient to determine the role of this variant in disease. Therefore, it has been classified as a Variant of Uncertain Significance.

NM_021098.3(CACNA1H):c.3445G>T (p.Gly1149Cys)

Gene: CACNA1H (calcium voltage-gated channel subunit alpha1 H; plus strand). Cytogenetic location: 16p13.3.
Variant type: single nucleotide variant.
Coding change: c.3445G>T on transcript NM_021098.3 (MANE Select); coding-DNA position 3445, G replaced by T.
Protein change: p.Gly1149Cys; replaces glycine 1149 with cysteine.
Molecular consequence: missense variant.
Genome position (GRCh38, 1-based): chr16:1,209,113, G>T. VCF-style: chr16-1209113-G-T. GRCh37 (hg19) VCF-style: chr16-1259113-G-T.
Other names: c.3445G>T, p.Gly1149Cys (NM_001005407.2); short protein forms G1149C.
Identifiers: ClinVar variation 1375334 (VCV001375334.1), dbSNP rs753696656, ClinGen allele CA394173532.